The following is an entry in ClinVar:

ClinVar aggregate classification (germline): Uncertain significance (1 of 4 stars; one submission).

Conditions:
Familial thoracic aortic aneurysm and aortic dissection (TAAD). Also called: Thoracic aortic aneurysms and dissections. Identifiers: Orphanet 91387, MedGen C4707243, MONDO:0019625.

Allele frequency attached by ClinVar (database versions not stated): gnomAD exomes below 0.00001.

Submission:

Color Diagnostics, LLC DBA Color Health
Classification: Uncertain significance for Familial thoracic aortic aneurysm and aortic dissection. Last evaluated: 2023-12-04. Review status: criteria provided, single submitter. Criteria: ACMG Guidelines, 2015. Collection method: clinical testing. Allele origin: germline.
Comment: This missense variant replaces glutamic acid with lysine at codon 202 of the TGFBR2 protein. Computational prediction suggests that this variant may not impact protein structure and function (internally defined REVEL score threshold <= 0.5, PMID: 27666373). To our knowledge, functional studies have not been reported for this variant. This variant has not been reported in individuals affected with TGFBR2-related disorders in the literature. This variant has not been identified in the general population by the Genome Aggregation Database (gnomAD). The available evidence is insufficient to determine the role of this variant in disease conclusively. Therefore, this variant is classified as a Variant of Uncertain Significance.

NM_003242.6(TGFBR2):c.604G>A (p.Glu202Lys)

Gene: TGFBR2 (transforming growth factor beta receptor 2; plus strand). Cytogenetic location: 3p24.1.
Variant type: single nucleotide variant.
Coding change: c.604G>A on transcript NM_003242.6 (MANE Select); coding-DNA position 604, G replaced by A.
Protein change: p.Glu202Lys; replaces glutamic acid 202 with lysine.
Molecular consequence: missense variant.
Genome position (GRCh38, 1-based): chr3:30,671,787, G>A. VCF-style: chr3-30671787-G-A. GRCh37 (hg19) VCF-style: chr3-30713279-G-A.
Other names: c.679G>A, p.Glu227Lys (NM_001024847.3); c.787G>A, p.Glu263Lys (NM_001407126.1); c.712G>A, p.Glu238Lys (NM_001407127.1); c.631G>A, p.Glu211Lys (NM_001407128.1); c.607G>A, p.Glu203Lys (NM_001407129.1); c.604G>A, p.Glu202Lys (NM_001407130.1); c.499G>A, p.Glu167Lys (NM_001407132.1, NM_001407133.1, NM_001407134.1 and 2 more transcripts); c.319G>A, p.Glu107Lys (NM_001407137.1); and 1 more; short protein forms E202K, E227K, E107K, E203K, E263K, E167K, E238K, E211K.
Identifiers: ClinVar variation 925165 (VCV000925165.5), dbSNP rs1699342734, ClinGen allele CA351807464.
Genomic context (GRCh38, chr3:30,671,787, plus strand): 5'-GTCATCATCATCTTCTACTGCTACCGCGTTAACCGGCAGCAGAAGCTGAGTTCAACCTGG[G>A]AAACCGGCAAGACGCGGAAGCTCATGGAGTTCAGCGAGCACTGTGCCATCATCCTGGAAG-3'
Protein context (NP_003233.4, residues 192-212): NRQQKLSSTW[Glu202Lys]TGKTRKLMEF